The following is an entry in ClinVar:

ClinVar aggregate classification (germline): Likely benign (1 of 4 stars; one submission).

Allele frequency attached by ClinVar (database versions not stated): gnomAD exomes below 0.00001 and 0.00001; TOPMed 0.00001.
gnomAD v4.1: 8 of 1,614,234 alleles (0.0005%); highest among the groups gnomAD compares: Admixed American, 0.013%; no homozygotes.

Submission:

GeneDx
Classification: Likely benign. Last evaluated: 2015-12-11. Review status: criteria provided, single submitter. Criteria: GeneDx Variant Classification (06012015). Collection method: clinical testing. Allele origin: germline. Affected: yes.
Comment: This variant is considered likely benign or benign based on one or more of the following criteria: it is a conservative change, it occurs at a poorly conserved position in the protein, it is predicted to be benign by multiple in silico algorithms, and/or has population frequency not consistent with disease.

NM_018100.4(EFHC1):c.-13G>A

Gene: EFHC1 (EF-hand domain containing 1; plus strand). Cytogenetic location: 6p12.2.
Variant type: single nucleotide variant.
Coding change: c.-13G>A on transcript NM_018100.4 (MANE Select); 13 bases upstream of the start codon, G replaced by A.
Molecular consequence: 5 prime UTR variant. On other transcripts: non-coding transcript variant (1).
Genome position (GRCh38, 1-based): chr6:52,420,398, G>A. VCF-style: chr6-52420398-G-A. GRCh37 (hg19) VCF-style: chr6-52285196-G-A.
Identifiers: ClinVar variation 380360 (VCV000380360.1), dbSNP rs1057520834, ClinGen allele CA16605058.